The following is an entry in ClinVar:

ClinVar aggregate classification (germline): Pathogenic/Likely pathogenic. Review status: criteria provided, multiple submitters, no conflicts (2 of 4 stars). 3 submissions from 3 submitters: Pathogenic (2); Likely pathogenic (1). Last evaluated 2025-06-02.

Conditions:
Pontocerebellar hypoplasia type 2D (PCH2D). Also called: Progressive cerebello-cerebral atrophy. Identifiers: Orphanet 247198, Orphanet 2524, MedGen C3151140, MONDO:0013438, OMIM 613811.

Allele frequency attached by ClinVar (database versions not stated): gnomAD exomes below 0.00001 and 0.00001; ExAC 0.00001.

Submissions (3):

Myriad Genetics, Inc.
Classification: Pathogenic for Pontocerebellar hypoplasia type 2D. Last evaluated: 2025-06-02. Review status: criteria provided, single submitter. Criteria: Myriad Autosomal Dominant, Autosomal Recessive and X-Linked Classification Criteria (2023). Collection method: clinical testing. Allele origin: unknown.
Comment: NM_016955.3(SEPSECS):c.1148dupA(H383Qfs*3) is a frameshift variant classified as pathogenic in the context of pontocerebellar hypoplasia, SEPSECS-related. H383Qfs*3 has not been observed in cases with relevant disease. Relevant functional assessments of this variant are not available in the literature. H383Qfs*3 has been observed in referenced population frequency databases. In summary, NM_016955.3(SEPSECS):c.1148dupA(H383Qfs*3) is a frameshift variant in a gene where loss of function is a known mechanism of disease and is predicted to disrupt protein function. Please note: this variant was assessed in the context of healthy population screening.

Labcorp Genetics (formerly Invitae), Labcorp
Classification: Pathogenic. Last evaluated: 2023-04-28. Review status: criteria provided, single submitter. Criteria: Invitae Variant Classification Sherloc (09022015). Collection method: clinical testing. Allele origin: germline.
Comment: For these reasons, this variant has been classified as Pathogenic. ClinVar contains an entry for this variant (Variation ID: 1072923). This variant has not been reported in the literature in individuals affected with SEPSECS-related conditions. This variant is present in population databases (rs761072755, gnomAD 0.006%). This sequence change creates a premature translational stop signal (p.His383Glnfs*3) in the SEPSECS gene. It is expected to result in an absent or disrupted protein product. Loss-of-function variants in SEPSECS are known to be pathogenic (PMID: 25558065, 25590979, 26115735).

Baylor Genetics
Classification: Likely pathogenic for Pontocerebellar hypoplasia type 2D. Last evaluated: 2022-05-09. Review status: criteria provided, single submitter. Criteria: ACMG Guidelines, 2015. Collection method: clinical testing. Allele origin: unknown.

Literature cited by the submitters: PubMed 25558065 (cited by Labcorp Genetics (formerly Invitae), Labcorp); PubMed 25590979 (cited by Labcorp Genetics (formerly Invitae), Labcorp); PubMed 26115735 (cited by Labcorp Genetics (formerly Invitae), Labcorp).

NM_016955.4(SEPSECS):c.1148dup (p.His383fs)

Gene: SEPSECS (Sep (O-phosphoserine) tRNA:Sec (selenocysteine) tRNA synthase; minus strand). Cytogenetic location: 4p15.2.
Variant type: Duplication.
Coding change: c.1148dup on transcript NM_016955.4 (MANE Select); coding-DNA position 1148, one base duplicated (A; older notation c.1148dupA).
Protein change: p.His383fs; shifts the reading frame from histidine 383.
Molecular consequence: frameshift variant.
Genome position (GRCh38, 1-based): chr4:25,125,757, T duplicated on the plus strand (A on the coding strand, the reverse complement: SEPSECS is on the minus strand). VCF-style (leftmost placement, unchanged base first): chr4-25125756-G-GT. GRCh37 (hg19) VCF-style: chr4-25127378-G-GT.
Other names: short protein forms H383fs.
Identifiers: ClinVar variation 1072923 (VCV001072923.8), dbSNP rs761072755, ClinGen allele CA2877217.